The following is an entry in ClinVar:

NM_001385641.1(SAMD11):c.1637G>A (p.Arg546His)

Gene: SAMD11 (sterile alpha motif domain containing 11; plus strand). Cytogenetic location: 1p36.33.
Variant type: single nucleotide variant.
Coding change: c.1637G>A on transcript NM_001385641.1 (MANE Select); coding-DNA position 1637, G replaced by A.
Protein change: p.Arg546His; replaces arginine 546 with histidine.
Molecular consequence: missense variant.
Genome position (GRCh38, 1-based): chr1:942,642, G>A. VCF-style: chr1-942642-G-A. GRCh37 (hg19) VCF-style: chr1-878022-G-A.
Other names: c.1640G>A, p.Arg547His (NM_001385640.1); c.1148G>A, p.Arg383His (NM_152486.4); short protein forms R383H, R547H, R546H.
Identifiers: ClinVar variation 1044532 (VCV001044532.8), dbSNP rs1450322707, ClinGen allele CA337808685.

ClinVar aggregate classification (germline): Uncertain significance (1 of 4 stars; one submission).

Allele frequency attached by ClinVar (database versions not stated): gnomAD exomes below 0.00001; TOPMed 0.00003; gnomAD 0.00004.
gnomAD v4.1: 11 of 1,438,050 alleles (0.00076%); highest among the groups gnomAD compares: African/African-American, 0.013%; no homozygotes.

Submission:

Labcorp Genetics (formerly Invitae), Labcorp
Classification: Uncertain significance. Last evaluated: 2021-02-20. Review status: criteria provided, single submitter. Criteria: Invitae Variant Classification Sherloc (09022015). Collection method: clinical testing. Allele origin: germline.
Comment: In summary, the available evidence is currently insufficient to determine the role of this variant in disease. Therefore, it has been classified as a Variant of Uncertain Significance. Algorithms developed to predict the effect of missense changes on protein structure and function output the following: SIFT: "Tolerated"; PolyPhen-2: "Benign"; Align-GVGD: "Class C0". The histidine amino acid residue is found in multiple mammalian species, suggesting that this missense change does not adversely affect protein function. These predictions have not been confirmed by published functional studies and their clinical significance is uncertain. This variant has not been reported in the literature in individuals with SAMD11-related conditions. The frequency data for this variant in the population databases is considered unreliable, as metrics indicate insufficient coverage at this position in the ExAC database. This sequence change replaces arginine with histidine at codon 383 of the SAMD11 protein (p.Arg383His). The arginine residue is moderately conserved and there is a small physicochemical difference between arginine and histidine.